The following is an entry in ClinVar:

NM_015958.3(DPH5):c.779A>G (p.His260Arg)

Genes: DPH5 (diphthamide biosynthesis 5; minus strand), SLC30A7 (solute carrier family 30 member 7; plus strand). Cytogenetic location: 1p21.2.
Variant type: single nucleotide variant.
Coding change: c.779A>G on transcript NM_015958.3 (MANE Select); coding-DNA position 779, A replaced by G.
Protein change: p.His260Arg; replaces histidine 260 with arginine.
Molecular consequence: missense variant.
Genome position (GRCh38, 1-based): chr1:100,990,487, T>C on the plus strand (A>G on the coding strand, the complement: DPH5 is on the minus strand). VCF-style: chr1-100990487-T-C. GRCh37 (hg19) VCF-style: chr1-101456043-T-C.
Other names: c.779A>G, p.His260Arg (NM_001077394.2); c.776A>G, p.His259Arg (NM_001077395.2); c.779A>G (NM_001077394.1); short protein forms H260R, H259R.
Identifiers: ClinVar variation 1708532 (VCV001708532.4), dbSNP rs746680777, ClinGen allele CA972358.
Genomic context (GRCh38, chr1:100,990,487, plus strand): 5'-TGAGATTCTGAGCTATTTTCTGGTATGGAAAACAGACTTAGCATCTCCATCTCCATTGGA[T>C]GTATGCTGCCTCCTGTGATGATCAAGGAATGCAATGGTTCTCCCAAGTCCACAGTGCACA-3'
Protein context (NP_057042.2, residues 250-270): HSLIITGGSI[His260Arg]PMEMEMLSLF

ClinVar aggregate classification (germline): Pathogenic/Likely pathogenic. Review status: criteria provided, multiple submitters, no conflicts (2 of 4 stars). 3 submissions from 3 submitters: Pathogenic (1); Likely pathogenic (1). 1 of the submissions does not count toward it. Last evaluated 2023-07-31.

Conditions:
Neurodevelopmental disorder with short stature, prominent forehead, and feeding difficulties (NEDSFF). Also called: DPH5-related diphthamide-deficiency syndrome. Identifiers: MedGen C5774228, MONDO:0859295, OMIM 620070.

Allele frequency attached by ClinVar (database versions not stated): ExAC 0.00001; gnomAD 0.00001; gnomAD exomes 0.00001; TOPMed 0.00001.
gnomAD v4.1: 18 of 1,614,070 alleles (0.0011%); highest among the groups gnomAD compares: Admixed American, 0.0017%; no homozygotes.

Submissions (3):

Revvity Omics, Revvity
Classification: Likely pathogenic for Neurodevelopmental disorder with short stature, prominent forehead, and feeding difficulties. Last evaluated: 2023-07-31. Review status: criteria provided, single submitter. Criteria: ACMG Guidelines, 2015. Collection method: clinical testing. Allele origin: germline.

3billion
Classification: Pathogenic for Neurodevelopmental disorder with short stature, prominent forehead, and feeding difficulties. Last evaluated: 2023-02-23. Review status: criteria provided, single submitter. Criteria: ACMG Guidelines, 2015. Collection method: clinical testing. Allele origin: unknown. Affected: yes.
Comment: The variant is observed at an extremely low frequency in the gnomAD v2.1.1 dataset (total allele frequency: <0.001%). Missense changes are a common disease-causing mechanism. Functional studies provide strong evidence of the variant having a damaging effect on the gene or gene product (PMID: 35482014). Same nucleotide change resulting in same amino acid change has been previously reported to be associated with DPH5 related disorder (ClinVar ID: VCV001708532). The variant has been reported to co-segregate with the disease in at least one similarly affected relative/individual in the same family or similarly affected unrelated family (PMID: 35482014). Therefore, this variant is classified as Pathogenic according to the recommendation of ACMG/AMP guideline.

OMIM
Classification: Pathogenic for NEURODEVELOPMENTAL DISORDER WITH SHORT STATURE, PROMINENT FOREHEAD, AND FEEDING DIFFICULTIES. Last evaluated: 2022-10-06. Review status: no assertion criteria provided. Collection method: literature only. Allele origin: germline. Not counted in ClinVar's aggregate classification.

Literature cited by the submitters: PubMed 35482014 (cited by 3billion and OMIM).